The following is an entry in ClinVar:

NM_000535.7(PMS2):c.832C>A (p.His278Asn)

Gene: PMS2 (PMS1 homolog 2, mismatch repair system component; minus strand). Cytogenetic location: 7p22.1.
Variant type: single nucleotide variant.
Coding change: c.832C>A on transcript NM_000535.7 (MANE Select); coding-DNA position 832, C replaced by A.
Protein change: p.His278Asn; replaces histidine 278 with asparagine.
Molecular consequence: missense variant. On other transcripts: 5 prime UTR variant (2), non-coding transcript variant (1).
Genome position (GRCh38, 1-based): chr7:5,995,605, G>T on the plus strand (C>A on the coding strand, the complement: PMS2 is on the minus strand). VCF-style: chr7-5995605-G-T. GRCh37 (hg19) VCF-style: chr7-6035236-G-T.
Other names: c.427C>A, p.His143Asn (NM_001322003.2, NM_001322004.2, NM_001322005.2 and 2 more transcripts); c.832C>A, p.His278Asn (NM_001322006.2, NM_001322014.2); c.514C>A, p.His172Asn (NM_001322007.2, NM_001322008.2); c.-102C>A (NM_001322011.2, NM_001322012.2); c.259C>A, p.His87Asn (NM_001322013.2); c.523C>A, p.His175Asn (NM_001322015.2); c.832C>A (NM_000535.6); short protein forms H278N, H143N, H172N, H175N, H87N.
Identifiers: ClinVar variation 484319 (VCV000484319.12), dbSNP rs1554300796, ClinGen allele CA366743530.

ClinVar aggregate classification (germline): Conflicting classifications of pathogenicity. Review status: criteria provided, conflicting classifications (1 of 4 stars). 4 submissions from 4 submitters: Likely pathogenic (1); Uncertain significance (3). Last evaluated 2025-01-06.

Conditions:
Hereditary cancer-predisposing syndrome. Also called: Neoplastic Syndromes, Hereditary; Tumor predisposition; Hereditary Cancer Syndrome; Hereditary neoplastic syndrome. Identifiers: Orphanet 140162, MedGen C0027672, MeSH D009386, MONDO:0015356.
Mismatch repair cancer syndrome 4. Identifiers: MedGen C5436817, MONDO:0030843, OMIM 619101.
Lynch syndrome 4 (LYNCH4). Also called: Colorectal cancer, hereditary nonpolyposis, type 4; Hereditary non-polyposis colorectal cancer, type 4. Identifiers: Orphanet 144, MedGen C1838333, MONDO:0013699, OMIM 614337. Disease mechanism: loss of function.
Hereditary nonpolyposis colorectal neoplasms. Identifiers: MedGen C0009405, MeSH D003123.
Ovarian cancer. Also called: OVARIAN CANCER, SOMATIC. Identifiers: Orphanet 213500, MedGen C1140680, MONDO:0008170, OMIM 167000.

Submissions (4):

Ambry Genetics
Classification: Uncertain significance for Hereditary cancer-predisposing syndrome. Last evaluated: 2025-01-06. Review status: criteria provided, single submitter. Criteria: Ambry Variant Classification Scheme 2023. Collection method: clinical testing. Allele origin: germline.
Comment: The p.H278N variant (also known as c.832C>A), located in coding exon 8 of the PMS2 gene, results from a C to A substitution at nucleotide position 832. The histidine at codon 278 is replaced by asparagine, an amino acid with similar properties. This variant was identified in an individual diagnosed with ovarian cancer (Fu K et al. Sci Rep, 2024 Mar;14:6702). This amino acid position is well conserved in available vertebrate species. In addition, the in silico prediction for this alteration is inconclusive. Based on the available evidence, the clinical significance of this variant remains unclear.

Fulgent Genetics
Classification: Uncertain significance for Lynch syndrome 4; Mismatch repair cancer syndrome 4. Last evaluated: 2024-05-10. Review status: criteria provided, single submitter. Criteria: ACMG Guidelines, 2015. Collection method: clinical testing. Allele origin: germline.

Labcorp Genetics (formerly Invitae), Labcorp
Classification: Uncertain significance for Hereditary nonpolyposis colorectal neoplasms. Last evaluated: 2024-04-24. Review status: criteria provided, single submitter. Criteria: Invitae Variant Classification Sherloc (09022015). Collection method: clinical testing. Allele origin: germline.
Comment: This sequence change replaces histidine, which is basic and polar, with asparagine, which is neutral and polar, at codon 278 of the PMS2 protein (p.His278Asn). This variant is not present in population databases (gnomAD no frequency). This missense change has been observed in individual(s) with breast cancer (PMID: 35449176). ClinVar contains an entry for this variant (Variation ID: 484319). Advanced modeling of protein sequence and biophysical properties (such as structural, functional, and spatial information, amino acid conservation, physicochemical variation, residue mobility, and thermodynamic stability) performed at Invitae indicates that this missense variant is expected to disrupt PMS2 protein function with a positive predictive value of 80%. In summary, the available evidence is currently insufficient to determine the role of this variant in disease. Therefore, it has been classified as a Variant of Uncertain Significance.

Laboratory of Molecular Epidemiology of Birth Defects, West China Second University Hospital, Sichuan University
Classification: Likely pathogenic for Ovarian cancer. Last evaluated: 2022-01-01. Review status: criteria provided, single submitter. Criteria: ACMG Guidelines, 2015. Collection method: clinical testing. Allele origin: germline. Affected: yes.

Literature cited by the submitters: PubMed 38509102 (cited by Ambry Genetics); PubMed 35449176 (cited by Labcorp Genetics (formerly Invitae), Labcorp).